The following is an entry in ClinVar:

NM_004522.3(KIF5C):c.2615C>T (p.Thr872Met)

Gene: KIF5C (kinesin family member 5C; plus strand). Cytogenetic location: 2q23.2.
Variant type: single nucleotide variant.
Coding change: c.2615C>T on transcript NM_004522.3 (MANE Select); coding-DNA position 2615, C replaced by T.
Protein change: p.Thr872Met; replaces threonine 872 with methionine.
Molecular consequence: missense variant. On other transcripts: non-coding transcript variant (1).
Genome position (GRCh38, 1-based): chr2:149,010,199, C>T. VCF-style: chr2-149010199-C-T. GRCh37 (hg19) VCF-style: chr2-149866713-C-T.
Other names: NR_111932.2:n.1987C>T; short protein forms T872M.
Identifiers: ClinVar variation 3024402 (VCV003024402.1), dbSNP rs768689068, ClinGen allele CA1901741.

ClinVar aggregate classification (germline): Uncertain significance (1 of 4 stars; one submission).

Conditions:
Duane retraction syndrome. Also called: Duane Syndrome; Duane's syndrome; RETRACTION SYNDROME; Duane anomaly. Identifiers: Orphanet 233, MedGen C0013261, MONDO:0007473, HP:0009921.

Allele frequency attached by ClinVar (database versions not stated): gnomAD exomes below 0.00001; gnomAD 0.00001.
gnomAD v4.1: 8 of 1,556,932 alleles (0.00051%); highest among the groups gnomAD compares: East Asian, 0.0049%; no homozygotes.

Submission:

Broad Center for Mendelian Genomics, Broad Institute of MIT and Harvard
Classification: Uncertain significance for Duane retraction syndrome. Last evaluated: 2024-02-27. Review status: criteria provided, single submitter. Criteria: ACMG Guidelines, 2015. Collection method: curation. Allele origin: germline. Inheritance: Autosomal dominant inheritance.
Comment: While this gene has a strong gene-disease association with complex cortical dysplasia with other brain malformations, it is lacking sufficient evidence to establish a gene-disease relationship for DRS. We believe this is a possible novel gene candidate for DRS. Given the limited information about this gene-disease relationship, the significance of the p.Thr872Met variant is uncertain. If you have any additional information about functional evidence or other individuals with this phenotype that also have variants in KIF5C we encourage you to reach out to the Engle Lab.